The following is an entry in ClinVar:

NM_000489.6(ATRX):c.1147A>G (p.Ile383Val)

Gene: ATRX (ATRX chromatin remodeler; minus strand). Cytogenetic location: Xq21.1.
Variant type: single nucleotide variant.
Coding change: c.1147A>G on transcript NM_000489.6 (MANE Select); coding-DNA position 1147, A replaced by G.
Protein change: p.Ile383Val; replaces isoleucine 383 with valine.
Molecular consequence: missense variant.
Genome position (GRCh38, 1-based): chrX:77,684,109, T>C on the plus strand (A>G on the coding strand, the complement: ATRX is on the minus strand). VCF-style: chrX-77684109-T-C. GRCh37 (hg19) VCF-style: chrX-76939601-T-C.
Other names: c.1033A>G, p.Ile345Val (NM_138270.5); short protein forms I345V, I383V.
Identifiers: ClinVar variation 1438182 (VCV001438182.7), dbSNP rs2148629471, ClinGen allele CA413719311.
Genomic context (GRCh38, chrX:77,684,109, plus strand): 5'-TAATATCAGCCAACACAGACTTAAAAGCCTTAAGCTGACGTAATTTTGTAGCAGAACTGA[T>C]TTCTGAATTATCTGTTGCCTGCTTTAAAAATTTAACATAACTGGAGTTCATGTTGGCTGT-3'
Protein context (NP_000480.3, residues 373-393): FLKQATDNSE[Ile383Val]SSATKLRQLK

ClinVar aggregate classification (germline): Uncertain significance (1 of 4 stars; one submission).

Conditions:
Alpha thalassemia-X-linked intellectual disability syndrome (ATRX). Also called: X-linked alpha-thalassemia-mental retardation syndrome; ALPHA-THALASSEMIA/IMPAIRED INTELLECTUAL DEVELOPMENT SYNDROME, X-LINKED; ALPHA-THALASSEMIA/MENTAL RETARDATION SYNDROME, X-LINKED; ATR, NONDELETION TYPE; ATR-X syndrome; Alpha thalassemia mental retardation syndrome, nondeletion type, X-linked. Identifiers: Orphanet 847, MedGen C1845055, MONDO:0010519, OMIM 301040.

Submission:

Labcorp Genetics (formerly Invitae), Labcorp
Classification: Uncertain significance for Alpha thalassemia-X-linked intellectual disability syndrome. Last evaluated: 2024-02-24. Review status: criteria provided, single submitter. Criteria: Invitae Variant Classification Sherloc (09022015). Collection method: clinical testing. Allele origin: germline.
Comment: This sequence change replaces isoleucine, which is neutral and non-polar, with valine, which is neutral and non-polar, at codon 383 of the ATRX protein (p.Ile383Val). This variant is not present in population databases (gnomAD no frequency). This variant has not been reported in the literature in individuals affected with ATRX-related conditions. ClinVar contains an entry for this variant (Variation ID: 1438182). Advanced modeling of protein sequence and biophysical properties (such as structural, functional, and spatial information, amino acid conservation, physicochemical variation, residue mobility, and thermodynamic stability) performed at Invitae indicates that this missense variant is not expected to disrupt ATRX protein function with a negative predictive value of 95%. In summary, the available evidence is currently insufficient to determine the role of this variant in disease. Therefore, it has been classified as a Variant of Uncertain Significance.